The following is an entry in ClinVar:

ClinVar aggregate classification (germline): Pathogenic. Review status: criteria provided, multiple submitters, no conflicts (2 of 4 stars). 2 submissions from 2 submitters: Pathogenic (2). Last evaluated 2025-12-11.

Conditions:
Spinocerebellar ataxia, autosomal recessive, with axonal neuropathy 2 (SCAN2). Also called: Ataxia-ocular apraxia-2; ATAXIA-OCULOMOTOR APRAXIA 2; Ataxia with Oculomotor Apraxia Type 2; Ataxia with Oculomotor Apraxia. Identifiers: Orphanet 64753, MedGen C1853761, MONDO:0018996, OMIM 606002.
Amyotrophic lateral sclerosis type 4 (ALS4). Also called: AMYOTROPHIC LATERAL SCLEROSIS 4, JUVENILE; NEURONOPATHY, DISTAL HEREDITARY MOTOR, WITH PYRAMIDAL FEATURES. Identifiers: Orphanet 357043, MedGen C1865409, MONDO:0011223, OMIM 602433.

Submissions (2):

GeneDx
Classification: Pathogenic. Last evaluated: 2025-12-11. Review status: criteria provided, single submitter. Criteria: GeneDx Variant Classification Process June 2021. Collection method: clinical testing. Allele origin: germline. Affected: yes.
Comment: Not observed at significant frequency in large population cohorts (gnomAD); In silico analysis suggests that this missense variant does not alter protein structure/function; This variant is associated with the following publications: (PMID: 33057194, 35982159, 38871447, 32536663, 34922620, 37575640)

Labcorp Genetics (formerly Invitae), Labcorp
Classification: Pathogenic for Amyotrophic lateral sclerosis type 4; Spinocerebellar ataxia, autosomal recessive, with axonal neuropathy 2. Last evaluated: 2025-03-17. Review status: criteria provided, single submitter. Criteria: Invitae Variant Classification Sherloc (09022015). Collection method: clinical testing. Allele origin: germline.
Comment: This sequence change replaces threonine, which is neutral and polar, with methionine, which is neutral and non-polar, at codon 8 of the SETX protein (p.Thr8Met). This variant is not present in population databases (gnomAD no frequency). This missense change has been observed in individual(s) with clinical features of autosomal dominant SETX-related conditions (PMID: 32536663, 33057194, 34922620; internal data). In at least one individual the variant was observed to be de novo. ClinVar contains an entry for this variant (Variation ID: 378574). Invitae Evidence Modeling of protein sequence and biophysical properties (such as structural, functional, and spatial information, amino acid conservation, physicochemical variation, residue mobility, and thermodynamic stability) has been performed for this missense variant. However, the output from this modeling did not meet the statistical confidence thresholds required to predict the impact of this variant on SETX protein function. For these reasons, this variant has been classified as Pathogenic.

Literature cited by the submitters: PubMed 32536663 (cited by Labcorp Genetics (formerly Invitae), Labcorp); PubMed 33057194 (cited by Labcorp Genetics (formerly Invitae), Labcorp); PubMed 34922620 (cited by Labcorp Genetics (formerly Invitae), Labcorp).

NM_015046.7(SETX):c.23C>T (p.Thr8Met)

Gene: SETX (senataxin; minus strand). Cytogenetic location: 9q34.13.
Variant type: single nucleotide variant.
Coding change: c.23C>T on transcript NM_015046.7 (MANE Select); coding-DNA position 23, C replaced by T.
Protein change: p.Thr8Met; replaces threonine 8 with methionine.
Molecular consequence: missense variant.
Genome position (GRCh38, 1-based): chr9:132,349,406, G>A on the plus strand (C>T on the coding strand, the complement: SETX is on the minus strand). VCF-style: chr9-132349406-G-A. GRCh37 (hg19) VCF-style: chr9-135224793-G-A.
Other names: c.23C>T, p.Thr8Met (NM_001351527.2, NM_001351528.2); short protein forms T8M.
Identifiers: ClinVar variation 378574 (VCV000378574.10), dbSNP rs1057520367, ClinGen allele CA16605391.
Genomic context (GRCh38, chr9:132,349,406, plus strand): 5'-CCGGACGGAGTGTTGGAAGCATAGCGCTTTAGGAAGTCAATGGTGGAAGCACCACCTGGC[G>A]TACACCAACAACATGTGCTCATTCTGTACCTACAGCCAGAAAAGATGACATCAAGAAGAA-3'
Protein context (NP_055861.3, residues 1-18): MSTCCWC[Thr8Met]PGGASTIDFL